The following is an entry in ClinVar:

ClinVar aggregate classification (germline): Likely benign. Review status: criteria provided, multiple submitters, no conflicts (2 of 4 stars). 2 submissions from 2 submitters: Likely benign (2). Last evaluated 2025-08-18.

Conditions:
Juvenile polyposis syndrome (JPS). Identifiers: Orphanet 2929, MedGen C0345893, MONDO:0017380, OMIM 174900.

Submissions (2):

Labcorp Genetics (formerly Invitae), Labcorp
Classification: Likely benign for Juvenile polyposis syndrome. Last evaluated: 2025-08-18. Review status: criteria provided, single submitter. Criteria: Invitae Variant Classification Sherloc (09022015). Collection method: clinical testing. Allele origin: germline.

GeneDx
Classification: Likely benign. Last evaluated: 2017-12-15. Review status: criteria provided, single submitter. Criteria: GeneDx Variant Classification (06012015). Collection method: clinical testing. Allele origin: germline. Affected: yes.
Comment: This variant is considered likely benign or benign based on one or more of the following criteria: it is a conservative change, it occurs at a poorly conserved position in the protein, it is predicted to be benign by multiple in silico algorithms, and/or has population frequency not consistent with disease.

NM_004329.3(BMPR1A):c.230+20C>T

Gene: BMPR1A (bone morphogenetic protein receptor type 1A; plus strand). Cytogenetic location: 10q23.2.
Variant type: single nucleotide variant.
Coding change: c.230+20C>T on transcript NM_004329.3 (MANE Select); 20 bases into the intron after coding-DNA position 230, C replaced by T.
Molecular consequence: intron variant.
Genome position (GRCh38, 1-based): chr10:86,890,244, C>T. VCF-style: chr10-86890244-C-T. GRCh37 (hg19) VCF-style: chr10-88650001-C-T.
Identifiers: ClinVar variation 514232 (VCV000514232.9), dbSNP rs755474277, ClinGen allele CA658797454.